The following is an entry in ClinVar:

ClinVar aggregate classification (germline): Uncertain significance. Review status: criteria provided, multiple submitters, no conflicts (2 of 4 stars). 2 submissions from 2 submitters: Uncertain significance (2). Last evaluated 2025-10-14.

Conditions:
Atypical hemolytic-uremic syndrome with C3 anomaly. Also called: AHUS, SUSCEPTIBILITY TO, 5. Identifiers: Orphanet 2134, MedGen C2752037, MONDO:0013043, OMIM 612925.
Age related macular degeneration 9. Identifiers: MedGen C1969651, MONDO:0012659, OMIM 611378.
Complement component 3 deficiency. Identifiers: Orphanet 280133, MedGen C3151071, MONDO:0013417, OMIM 613779.

gnomAD v4.1: 29 of 1,613,694 alleles (0.0018%); highest among the groups gnomAD compares: African/African-American, 0.016%; no homozygotes.

Submissions (2):

Labcorp Genetics (formerly Invitae), Labcorp
Classification: Uncertain significance. Last evaluated: 2025-10-14. Review status: criteria provided, single submitter. Criteria: Invitae Variant Classification Sherloc (09022015). Collection method: clinical testing. Allele origin: germline.
Comment: This sequence change replaces proline, which is neutral and non-polar, with leucine, which is neutral and non-polar, at codon 292 of the C3 protein (p.Pro292Leu). This variant is present in population databases (no rsID available, gnomAD 0.02%). This variant has not been reported in the literature in individuals affected with C3-related conditions. ClinVar contains an entry for this variant (Variation ID: 3584179). An algorithm developed to predict the effect of missense changes on protein structure and function outputs the following: PolyPhen-2: "Benign". The leucine amino acid residue is found in multiple mammalian species, which suggests that this missense change does not adversely affect protein function. In summary, the available evidence is currently insufficient to determine the role of this variant in disease. Therefore, it has been classified as a Variant of Uncertain Significance.

Fulgent Genetics
Classification: Uncertain significance for Age related macular degeneration 9; Atypical hemolytic-uremic syndrome with C3 anomaly; Complement component 3 deficiency. Last evaluated: 2024-04-04. Review status: criteria provided, single submitter. Criteria: ACMG Guidelines, 2015. Collection method: clinical testing. Allele origin: germline.

NM_000064.4(C3):c.875C>T (p.Pro292Leu)

Gene: C3 (complement C3; minus strand). Cytogenetic location: 19p13.3.
Variant type: single nucleotide variant.
Coding change: c.875C>T on transcript NM_000064.4 (MANE Select); coding-DNA position 875, C replaced by T.
Protein change: p.Pro292Leu; replaces proline 292 with leucine.
Molecular consequence: missense variant.
Genome position (GRCh38, 1-based): chr19:6,713,408, G>A on the plus strand (C>T on the coding strand, the complement: C3 is on the minus strand). VCF-style: chr19-6713408-G-A. GRCh37 (hg19) VCF-style: chr19-6713419-G-A.
Other names: short protein forms P292L.
Identifiers: ClinVar variation 3584179 (VCV003584179.2).
Genomic context (GRCh38, chr19:6,713,408, plus strand): 5'-GCGGGCTCAGAGGTGGCGGGGACTGGGGCAGGGATCAAAGCGGCCTCCGTCTATGGTACC[G>A]GAATGCGCTTGAGGGATTCAGGCAGGGAAATCCTCTGTTCGCCATCCTGGATCCCGAAGA-3'
Protein context (NP_000055.2, residues 282-302): ISLPESLKRI[Pro292Leu]IEDGSGEVVL